The following is an entry in ClinVar:

NM_000075.4(CDK4):c.907G>C (p.Glu303Gln)

Genes: CDK4 (cyclin dependent kinase 4; minus strand), TSPAN31 (tetraspanin 31; plus strand). Cytogenetic location: 12q14.1.
Variant type: single nucleotide variant.
Coding change: c.907G>C on transcript NM_000075.4 (MANE Select); coding-DNA position 907, G replaced by C.
Protein change: p.Glu303Gln; replaces glutamic acid 303 with glutamine.
Molecular consequence: missense variant. On other transcripts: 3 prime UTR variant (3).
Genome position (GRCh38, 1-based): chr12:57,748,530, C>G on the plus strand (G>C on the coding strand, the complement: CDK4 is on the minus strand). VCF-style: chr12-57748530-C-G. GRCh37 (hg19) VCF-style: chr12-58142313-C-G.
Other names: c.*1240C>G (NM_001330168.2, NM_001330169.2, NM_005981.5); short protein forms E303Q.
Identifiers: ClinVar variation 1765708 (VCV001765708.3), dbSNP rs1253318687, ClinGen allele CA385542132.

ClinVar aggregate classification (germline): Uncertain significance. Review status: criteria provided, multiple submitters, no conflicts (2 of 4 stars). 2 submissions from 2 submitters: Uncertain significance (2). Last evaluated 2025-08-24.

Conditions:
Familial melanoma. Also called: Hereditary melanoma; Hereditary cutaneous melanoma. Identifiers: Orphanet 618, MedGen C1512419, MONDO:0018961.
Hereditary cancer-predisposing syndrome. Also called: Neoplastic Syndromes, Hereditary; Tumor predisposition; Hereditary Cancer Syndrome; Hereditary neoplastic syndrome. Identifiers: Orphanet 140162, MedGen C0027672, MeSH D009386, MONDO:0015356.

Allele frequency attached by ClinVar (database versions not stated): TOPMed below 0.00001.

Submissions (2):

Labcorp Genetics (formerly Invitae), Labcorp
Classification: Uncertain significance for Familial melanoma. Last evaluated: 2025-08-24. Review status: criteria provided, single submitter. Criteria: Invitae Variant Classification Sherloc (09022015). Collection method: clinical testing. Allele origin: germline.
Comment: This sequence change replaces glutamic acid, which is acidic and polar, with glutamine, which is neutral and polar, at codon 303 of the CDK4 protein (p.Glu303Gln). This variant is not present in population databases (gnomAD no frequency). This variant has not been reported in the literature in individuals affected with CDK4-related conditions. ClinVar contains an entry for this variant (Variation ID: 1765708). Invitae Evidence Modeling of protein sequence and biophysical properties (such as structural, functional, and spatial information, amino acid conservation, physicochemical variation, residue mobility, and thermodynamic stability) indicates that this missense variant is not expected to disrupt CDK4 protein function with a negative predictive value of 95%. In summary, the available evidence is currently insufficient to determine the role of this variant in disease. Therefore, it has been classified as a Variant of Uncertain Significance.

Ambry Genetics
Classification: Uncertain significance for Hereditary cancer-predisposing syndrome. Last evaluated: 2022-04-20. Review status: criteria provided, single submitter. Criteria: Ambry Variant Classification Scheme 2023. Collection method: clinical testing. Allele origin: germline.
Comment: The p.E303Q variant (also known as c.907G>C), located in coding exon 7 of the CDK4 gene, results from a G to C substitution at nucleotide position 907. The glutamic acid at codon 303 is replaced by glutamine, an amino acid with highly similar properties. This amino acid position is well conserved in available vertebrate species. In addition, this alteration is predicted to be tolerated by in silico analysis. Since supporting evidence is limited at this time, the clinical significance of this alteration remains unclear.